The following is an entry in ClinVar:

NM_001365951.3(KIF1B):c.1940C>T (p.Thr647Ile)

Gene: KIF1B (kinesin family member 1B; plus strand). Cytogenetic location: 1p36.22.
Variant type: single nucleotide variant.
Coding change: c.1940C>T on transcript NM_001365951.3 (MANE Select); coding-DNA position 1940, C replaced by T.
Protein change: p.Thr647Ile; replaces threonine 647 with isoleucine.
Molecular consequence: missense variant.
Genome position (GRCh38, 1-based): chr1:10,296,975, C>T. VCF-style: chr1-10296975-C-T. GRCh37 (hg19) VCF-style: chr1-10357033-C-T.
Other names: c.1940C>T, p.Thr647Ile (NM_001365952.1); c.1802C>T, p.Thr601Ile (NM_001365953.1, NM_015074.3, NM_183416.4); short protein forms T601I, T647I.
Identifiers: ClinVar variation 1035115 (VCV001035115.9), dbSNP rs1178666545, ClinGen allele CA338316847.

ClinVar aggregate classification (germline): Uncertain significance. Review status: criteria provided, multiple submitters, no conflicts (2 of 4 stars). 2 submissions from 2 submitters: Uncertain significance (2). Last evaluated 2025-03-20.

Conditions:
Charcot-Marie-Tooth disease type 2. Also called: Charcot-Marie-Tooth type 2. Identifiers: Orphanet 64746, MedGen C0270914, MONDO:0018993.

Allele frequency attached by ClinVar (database versions not stated): gnomAD exomes below 0.00001.
gnomAD v4.1: 5 of 1,614,032 alleles (0.00031%); highest among the groups gnomAD compares: Non-Finnish European, 0.00042%; no homozygotes.

Submissions (2):

Ambry Genetics
Classification: Uncertain significance. Last evaluated: 2025-03-20. Review status: criteria provided, single submitter. Criteria: Ambry Variant Classification Scheme 2023. Collection method: clinical testing. Allele origin: germline.
Comment: The p.T601I variant (also known as c.1802C>T), located in coding exon 18 of the KIF1B gene, results from a C to T substitution at nucleotide position 1802. The threonine at codon 601 is replaced by isoleucine, an amino acid with similar properties. This amino acid position is conserved. In addition, the in silico prediction for this alteration is inconclusive. Based on the available evidence, the clinical significance of this variant remains unclear.

Labcorp Genetics (formerly Invitae), Labcorp
Classification: Uncertain significance for Charcot-Marie-Tooth disease type 2. Last evaluated: 2020-09-24. Review status: criteria provided, single submitter. Criteria: Invitae Variant Classification Sherloc (09022015). Collection method: clinical testing. Allele origin: germline.
Comment: In summary, the available evidence is currently insufficient to determine the role of this variant in disease. Therefore, it has been classified as a Variant of Uncertain Significance. Algorithms developed to predict the effect of missense changes on protein structure and function are either unavailable or do not agree on the potential impact of this missense change (SIFT: "Tolerated"; PolyPhen-2: "Probably Damaging"; Align-GVGD: "Class C0"). This variant has not been reported in the literature in individuals with KIF1B-related conditions. This variant is not present in population databases (ExAC no frequency). This sequence change replaces threonine with isoleucine at codon 601 of the KIF1B protein (p.Thr601Ile). The threonine residue is moderately conserved and there is a moderate physicochemical difference between threonine and isoleucine.